The following is an entry in ClinVar:

NM_007259.5(VPS45):c.1568G>T (p.Arg523Leu)

Gene: VPS45 (vacuolar protein sorting 45 homolog; plus strand). Cytogenetic location: 1q21.2.
Variant type: single nucleotide variant.
Coding change: c.1568G>T on transcript NM_007259.5 (MANE Select); coding-DNA position 1568, G replaced by T.
Protein change: p.Arg523Leu; replaces arginine 523 with leucine.
Molecular consequence: missense variant. On other transcripts: non-coding transcript variant (1).
Genome position (GRCh38, 1-based): chr1:150,110,570, G>T. VCF-style: chr1-150110570-G-T. GRCh37 (hg19) VCF-style: chr1-150082685-G-T.
Other names: c.1253G>T, p.Arg418Leu (NM_001279353.2); c.1460G>T, p.Arg487Leu (NM_001279354.2); c.1568G>T (NM_007259.3); short protein forms R523L, R487L, R418L.
Identifiers: ClinVar variation 1352799 (VCV001352799.6), dbSNP rs1191051819, ClinGen allele CA342264167.
Genomic context (GRCh38, chr1:150,110,570, plus strand): 5'-TTGTGTTTGTAATTGGAGGAGCCACCTATGAAGAGGCTCTAACAGTTTATAACCTGAACC[G>T]CACCACTCCTGGAGTGAGGATTGTCCTGGGAGGCACCACAGTGCACAACACGAAAAGGTA-3'
Protein context (NP_009190.2, residues 513-533): EEALTVYNLN[Arg523Leu]TTPGVRIVLG

ClinVar aggregate classification (germline): Uncertain significance. Review status: criteria provided, multiple submitters, no conflicts (2 of 4 stars). 2 submissions from 2 submitters: Uncertain significance (2). Last evaluated 2024-11-25.

Conditions:
Congenital neutropenia-myelofibrosis-nephromegaly syndrome. Also called: Severe congenital neutropenia 5, autosomal recessive. Identifiers: Orphanet 369852, MedGen C3809031, MONDO:0014118, OMIM 615285.
Inborn genetic diseases. Identifiers: MedGen C0950123, MeSH D030342.

Allele frequency attached by ClinVar (database versions not stated): gnomAD exomes below 0.00001.
gnomAD v4.1: 6 of 1,613,740 alleles (0.00037%); highest among the groups gnomAD compares: Non-Finnish European, 0.00051%; no homozygotes.

Submissions (2):

Ambry Genetics
Classification: Uncertain significance for Inborn genetic diseases. Last evaluated: 2024-11-25. Review status: criteria provided, single submitter. Criteria: Ambry Variant Classification Scheme 2023. Collection method: clinical testing. Allele origin: germline.

Labcorp Genetics (formerly Invitae), Labcorp
Classification: Uncertain significance for Congenital neutropenia-myelofibrosis-nephromegaly syndrome. Last evaluated: 2022-02-05. Review status: criteria provided, single submitter. Criteria: Invitae Variant Classification Sherloc (09022015). Collection method: clinical testing. Allele origin: germline.
Comment: This sequence change replaces arginine, which is basic and polar, with leucine, which is neutral and non-polar, at codon 523 of the VPS45 protein (p.Arg523Leu). This variant is present in population databases (no rsID available, gnomAD 0.0009%). This variant has not been reported in the literature in individuals affected with VPS45-related conditions. Algorithms developed to predict the effect of missense changes on protein structure and function (SIFT, PolyPhen-2, Align-GVGD) all suggest that this variant is likely to be tolerated. In summary, the available evidence is currently insufficient to determine the role of this variant in disease. Therefore, it has been classified as a Variant of Uncertain Significance.